The following is an entry in ClinVar:

ClinVar aggregate classification (germline): Uncertain significance (1 of 4 stars; one submission).

Allele frequency attached by ClinVar (database versions not stated): ExAC 0.00001.

Submission:

Ambry Genetics
Classification: Uncertain significance. Last evaluated: 2022-09-26. Review status: criteria provided, single submitter. Criteria: Ambry Variant Classification Scheme 2023. Collection method: clinical testing. Allele origin: germline.
Comment: The p.A54D variant (also known as c.161C>A), located in coding exon 2 of the MYLK2 gene, results from a C to A substitution at nucleotide position 161. The alanine at codon 54 is replaced by aspartic acid, an amino acid with dissimilar properties. This amino acid position is conserved. In addition, this alteration is predicted to be tolerated by in silico analysis. Since supporting evidence is limited at this time, the clinical significance of this alteration remains unclear.

NM_033118.4(MYLK2):c.161C>A (p.Ala54Asp)

Gene: MYLK2 (myosin light chain kinase 2; plus strand). Cytogenetic location: 20q11.21.
Variant type: single nucleotide variant.
Coding change: c.161C>A on transcript NM_033118.4 (MANE Select); coding-DNA position 161, C replaced by A.
Protein change: p.Ala54Asp; replaces alanine 54 with aspartic acid.
Molecular consequence: missense variant.
Genome position (GRCh38, 1-based): chr20:31,820,234, C>A. VCF-style: chr20-31820234-C-A. GRCh37 (hg19) VCF-style: chr20-30408037-C-A.
Other names: short protein forms A54D.
Identifiers: ClinVar variation 1776568 (VCV001776568.2), dbSNP rs762972654, ClinGen allele CA9802852.
Genomic context (GRCh38, chr20:31,820,234, plus strand): 5'-AAGACCCTGGCCCCCCAGACCCAAAGAAAGCTCCGGATCCACCCACCCTGAAGAAAGATG[C>A]CAAAGCCCCTGCCTCAGAGAAAGGGGATGGTACCCTGGCCCAACCCTCAACTAGCAGCCA-3'
Protein context (NP_149109.1, residues 44-64): APDPPTLKKD[Ala54Asp]KAPASEKGDG